The following is an entry in ClinVar:

ClinVar aggregate classification (germline): Uncertain significance (1 of 4 stars; one submission).

Conditions:
Common variable immunodeficiency (CVID). Also called: Common variable hypogamma-globulinemia; Common variable agammaglobulinemia. Identifiers: Orphanet 1572, MedGen C0009447, MONDO:0015517.

Allele frequency attached by ClinVar (database versions not stated): gnomAD 0.00001; TOPMed 0.00001; gnomAD exomes 0.00002.
gnomAD v4.1: 21 of 1,305,118 alleles (0.0016%); highest among the groups gnomAD compares: Non-Finnish European, 0.0019%; no homozygotes.

Submission:

Labcorp Genetics (formerly Invitae), Labcorp
Classification: Uncertain significance for Common variable immunodeficiency. Last evaluated: 2024-12-27. Review status: criteria provided, single submitter. Criteria: Invitae Variant Classification Sherloc (09022015). Collection method: clinical testing. Allele origin: germline.
Comment: This sequence change replaces arginine, which is basic and polar, with glutamine, which is neutral and polar, at codon 13 of the TNFSF12 protein (p.Arg13Gln). This variant is present in population databases (no rsID available, gnomAD 0.007%). This variant has not been reported in the literature in individuals affected with TNFSF12-related conditions. ClinVar contains an entry for this variant (Variation ID: 1061548). Experimental studies and prediction algorithms are not available or were not evaluated, and the functional significance of this variant is currently unknown. In summary, the available evidence is currently insufficient to determine the role of this variant in disease. Therefore, it has been classified as a Variant of Uncertain Significance.

NM_003809.3(TNFSF12):c.38G>A (p.Arg13Gln)

Genes: TNFSF12-TNFSF13 (TNFSF12-TNFSF13 readthrough; plus strand), TNFSF12 (TNF superfamily member 12; plus strand), LOC130060153 (ATAC-STARR-seq lymphoblastoid silent region 8127; plus strand). Cytogenetic location: 17p13.1.
Variant type: single nucleotide variant.
Coding change: c.38G>A on transcript NM_003809.3 (MANE Select); coding-DNA position 38, G replaced by A.
Protein change: p.Arg13Gln; replaces arginine 13 with glutamine.
Molecular consequence: missense variant. On other transcripts: non-coding transcript variant (1).
Genome position (GRCh38, 1-based): chr17:7,549,191, G>A. VCF-style: chr17-7549191-G-A. GRCh37 (hg19) VCF-style: chr17-7452508-G-A.
Other names: c.38G>A, p.Arg13Gln (NM_172089.4); short protein forms R13Q.
Identifiers: ClinVar variation 1061548 (VCV001061548.6), dbSNP rs1432222435, ClinGen allele CA397853216.